The following is an entry in ClinVar:

ClinVar aggregate classification (germline): Uncertain significance. Review status: criteria provided, multiple submitters, no conflicts (2 of 4 stars). 5 submissions from 4 submitters: Uncertain significance (5). Last evaluated 2025-11-12.

Conditions:
Asphyxiating thoracic dystrophy 5 (SRTD5). Also called: SHORT-RIB THORACIC DYSPLASIA 5 WITH OR WITHOUT POLYDACTYLY; SHORT-RIB THORACIC DYSPLASIA 5 WITHOUT POLYDACTYLY. Identifiers: Orphanet 474, MedGen C3280598, MONDO:0013717, OMIM 614376.
Nephronophthisis 13 (NPHP13). Identifiers: Orphanet 655, MedGen C3280612, MONDO:0013718, OMIM 614377.
Spermatogenic failure 72 (SPGF72). Identifiers: MedGen C5676980, MONDO:0030809, OMIM 619867.
Senior-Loken syndrome 8 (SLSN8). Identifiers: Orphanet 3156, MedGen C4225376, MONDO:0014579, OMIM 616307.
Cranioectodermal dysplasia 4 (CED4). Identifiers: Orphanet 1515, MedGen C3280616, MONDO:0013719, OMIM 614378.
Inborn genetic diseases. Identifiers: MedGen C0950123, MeSH D030342.

Allele frequency attached by ClinVar (database versions not stated): ExAC 0.00003; gnomAD 0.00003 and 0.00004; gnomAD exomes 0.00003; TOPMed 0.00003.
gnomAD v4.1: 29 of 1,613,648 alleles (0.0018%); highest among the groups gnomAD compares: Middle Eastern, 0.016%; no homozygotes.

Submissions (5):

Ambry Genetics
Classification: Uncertain significance for Inborn genetic diseases. Last evaluated: 2025-11-12. Review status: criteria provided, single submitter. Criteria: Ambry Variant Classification Scheme 2023. Collection method: clinical testing. Allele origin: germline.

Labcorp Genetics (formerly Invitae), Labcorp
Classification: Uncertain significance for Senior-Loken syndrome 8; Asphyxiating thoracic dystrophy 5. Last evaluated: 2022-08-19. Review status: criteria provided, single submitter. Criteria: Invitae Variant Classification Sherloc (09022015). Collection method: clinical testing. Allele origin: germline.
Comment: This sequence change replaces arginine, which is basic and polar, with histidine, which is basic and polar, at codon 696 of the WDR19 protein (p.Arg696His). This variant is present in population databases (rs747881116, gnomAD 0.01%). This variant has not been reported in the literature in individuals affected with WDR19-related conditions. ClinVar contains an entry for this variant (Variation ID: 902493). Algorithms developed to predict the effect of missense changes on protein structure and function (SIFT, PolyPhen-2, Align-GVGD) all suggest that this variant is likely to be tolerated. In summary, the available evidence is currently insufficient to determine the role of this variant in disease. Therefore, it has been classified as a Variant of Uncertain Significance.

Fulgent Genetics
Classification: Uncertain significance for Asphyxiating thoracic dystrophy 5; Nephronophthisis 13; Cranioectodermal dysplasia 4; Senior-Loken syndrome 8; Spermatogenic failure 72. Last evaluated: 2022-04-07. Review status: criteria provided, single submitter. Criteria: ACMG Guidelines, 2015. Collection method: clinical testing. Allele origin: unknown.

Illumina Laboratory Services, Illumina
Classification: Uncertain significance for Cranioectodermal dysplasia 4. Last evaluated: 2018-01-12. Review status: criteria provided, single submitter. Criteria: ICSL Variant Classification Criteria 13 December 2019. Collection method: clinical testing. Allele origin: germline.

Illumina Laboratory Services, Illumina
Classification: Uncertain significance for Asphyxiating thoracic dystrophy 5. Last evaluated: 2018-01-12. Review status: criteria provided, single submitter. Criteria: ICSL Variant Classification Criteria 13 December 2019. Collection method: clinical testing. Allele origin: germline.

NM_025132.4(WDR19):c.2087G>A (p.Arg696His)

Gene: WDR19 (WD repeat domain 19; plus strand). Cytogenetic location: 4p14.
Variant type: single nucleotide variant.
Coding change: c.2087G>A on transcript NM_025132.4 (MANE Select); coding-DNA position 2087, G replaced by A.
Protein change: p.Arg696His; replaces arginine 696 with histidine.
Molecular consequence: missense variant.
Genome position (GRCh38, 1-based): chr4:39,231,901, G>A. VCF-style: chr4-39231901-G-A. GRCh37 (hg19) VCF-style: chr4-39233521-G-A.
Other names: c.1607G>A, p.Arg536His (NM_001317924.2); short protein forms R536H, R696H.
Identifiers: ClinVar variation 902493 (VCV000902493.9), dbSNP rs747881116, ClinGen allele CA2892003.